The following is an entry in ClinVar:

NC_000001.10:g.(?_209974565)_(209979435_?)del

Gene: IRF6 (interferon regulatory factor 6; minus strand). Cytogenetic location: 1q32.2.
Variant type: Deletion.
Identifiers: ClinVar variation 1070385 (VCV001070385.6).

ClinVar aggregate classification (germline): Pathogenic (1 of 4 stars; one submission).

Conditions:
Orofacial cleft 6, susceptibility to (OFC6). Also called: CLEFT LIP WITH OR WITHOUT CLEFT PALATE, NONSYNDROMIC, 6. Identifiers: MedGen C1837213, MONDO:0012141, OMIM 608864.
Popliteal pterygium syndrome (PPS). Identifiers: Orphanet 294963, MedGen C0265259, MONDO:0017435.
Van der Woude syndrome. Identifiers: Orphanet 888, MedGen C0175697, MONDO:0019508.

Submission:

Labcorp Genetics (formerly Invitae), Labcorp
Classification: Pathogenic for Orofacial cleft 6, susceptibility to; Van der Woude syndrome; Popliteal pterygium syndrome. Last evaluated: 2020-09-21. Review status: criteria provided, single submitter. Criteria: Invitae Variant Classification Sherloc (09022015). Collection method: clinical testing. Allele origin: germline.
Comment: For these reasons, this variant has been classified as Pathogenic. Loss-of-function variants in IRF6 are known to be pathogenic (PMID: 19282774, 23949966). This variant has not been reported in the literature in individuals with IRF6-related conditions. This variant is a gross deletion of the genomic region encompassing exon(s) 1-3 of the IRF6 gene, which includes the initiator codon. The 5' end of this event is unknown as it extends beyond the assayed region for this gene and therefore may encompass additional genes. The 3' boundary is likely confined to intron 3 of the IRF6 gene. This is expected to result in an absent or disrupted protein product.

Literature cited by the submitters: PubMed 19282774; PubMed 23949966.